The following is an entry in ClinVar:

ClinVar aggregate classification (germline): Benign. Review status: criteria provided, multiple submitters, no conflicts (2 of 4 stars). 2 submissions from 2 submitters: Benign (2). Last evaluated 2018-01-12.

Conditions:
3-Oxo-5 alpha-steroid delta 4-dehydrogenase deficiency (PPSH). Also called: PSEUDOVAGINAL PERINEOSCROTAL HYPOSPADIAS; FAMILIAL INCOMPLETE MALE PSEUDOHERMAPHRODITISM, TYPE 2; MALE PSEUDOHERMAPHRODITISM DUE TO 5-ALPHA-REDUCTASE DEFICIENCY; 46,XY disorder of sex development due to 5-alpha-reductase 2 deficiency. Identifiers: Orphanet 753, MedGen C0268297, MONDO:0009923, OMIM 264600. Disease mechanism: loss of function.

Allele frequency attached by ClinVar (database versions not stated): gnomAD 0.09986 and 0.10079; 1000 Genomes Project 0.12540.
gnomAD v4.1: 53,914 of 793,778 alleles (6.8%); highest among the groups gnomAD compares: Middle Eastern, 11%; 3,159 homozygotes.

Submissions (2):

Illumina Laboratory Services, Illumina
Classification: Benign for 3-Oxo-5 alpha-steroid delta 4-dehydrogenase deficiency. Last evaluated: 2018-01-12. Review status: criteria provided, single submitter. Criteria: ICSL Variant Classification Criteria 13 December 2019. Collection method: clinical testing. Allele origin: germline.
Comment: This variant was observed in the ICSL laboratory as part of a predisposition screen in an ostensibly healthy population. It had not been previously curated by ICSL or reported in the Human Gene Mutation Database (HGMD: prior to June 1st, 2018), and was therefore a candidate for classification through an automated scoring system. Utilizing variant allele frequency, disease prevalence and penetrance estimates, and inheritance mode, an automated score was calculated to assess if this variant is too frequent to cause the disease. Based on the score and internal cut-off values, a variant classified as benign is not then subjected to further curation. The score for this variant resulted in a classification of benign for this disease.

Breakthrough Genomics
Classification: Benign. Review status: criteria provided, single submitter. Criteria: ACMG Guidelines, 2015. Collection method: not provided. Allele origin: germline. Inheritance: Autosomal recessive inheritance. Affected: yes.

NM_000348.4(SRD5A2):c.*91C>T

Gene: SRD5A2 (steroid 5 alpha-reductase 2; minus strand). Cytogenetic location: 2p23.1.
Variant type: single nucleotide variant.
Coding change: c.*91C>T on transcript NM_000348.4 (MANE Select); 91 bases downstream of the stop codon, C replaced by T.
Molecular consequence: 3 prime UTR variant.
Genome position (GRCh38, 1-based): chr2:31,526,105, G>A on the plus strand (C>T on the coding strand, the complement: SRD5A2 is on the minus strand). VCF-style: chr2-31526105-G-A. GRCh37 (hg19) VCF-style: chr2-31751175-G-A.
Identifiers: ClinVar variation 335815 (VCV000335815.6), dbSNP rs192604242, ClinGen allele CA10615298.